The following is an entry in ClinVar:

ClinVar aggregate classification (germline): Uncertain significance (1 of 4 stars; one submission).

Conditions:
Fanconi anemia (FA). Also called: Fanconi's anemia. Identifiers: Orphanet 84, MedGen C0015625, MeSH D005199, MONDO:0019391.

Submission:

Labcorp Genetics (formerly Invitae), Labcorp
Classification: Uncertain significance for Fanconi anemia. Last evaluated: 2021-10-02. Review status: criteria provided, single submitter. Criteria: Invitae Variant Classification Sherloc (09022015). Collection method: clinical testing. Allele origin: germline.
Comment: Algorithms developed to predict the effect of missense changes on protein structure and function are either unavailable or do not agree on the potential impact of this missense change (SIFT: "Deleterious"; PolyPhen-2: "Benign"; Align-GVGD: "Class C0"). In summary, the available evidence is currently insufficient to determine the role of this variant in disease. Therefore, it has been classified as a Variant of Uncertain Significance. This variant has not been reported in the literature in individuals affected with FANCM-related conditions. This variant is not present in population databases (ExAC no frequency). This sequence change replaces arginine with serine at codon 596 of the FANCM protein (p.Arg596Ser). The arginine residue is moderately conserved and there is a moderate physicochemical difference between arginine and serine.

NM_020937.4(FANCM):c.1786C>A (p.Arg596Ser)

Gene: FANCM (FA complementation group M; plus strand). Cytogenetic location: 14q21.2.
Variant type: single nucleotide variant.
Coding change: c.1786C>A on transcript NM_020937.4 (MANE Select); coding-DNA position 1786, C replaced by A.
Protein change: p.Arg596Ser; replaces arginine 596 with serine.
Molecular consequence: missense variant.
Genome position (GRCh38, 1-based): chr14:45,164,563, C>A. VCF-style: chr14-45164563-C-A. GRCh37 (hg19) VCF-style: chr14-45633766-C-A.
Other names: c.1708C>A, p.Arg570Ser (NM_001308133.2); c.1786C>A, p.Arg596Ser (NM_001308134.2); short protein forms R570S, R596S.
Identifiers: ClinVar variation 1508454 (VCV001508454.6), dbSNP rs765671208, ClinGen allele CA389594276.
Genomic context (GRCh38, chr14:45,164,563, plus strand): 5'-AGAACTGGCCGTAAACGTCAAGGCAGGATAGTTATTATCCTTTCTGAAGGACGAGAGGAA[C>A]GTGTAAGTAGAGCTGCAGAAACACAATTTGACACTTGAAATTTGAGAAATACAGCCCAAA-3'
Protein context (NP_065988.1, residues 586-606): VIILSEGREE[Arg596Ser]IYNQSQSNKR